The following is an entry in ClinVar:

NM_015205.3(ATP11A):c.3058-9dup

Genes: ATP11A (ATPase phospholipid transporting 11A; plus strand), LOC126861868 (CDK7 strongly-dependent group 2 enhancer GRCh37_chr13:113526644-113527843; plus strand). Cytogenetic location: 13q34.
Variant type: Duplication.
Coding change: c.3058-9dup on transcript NM_015205.3 (MANE Select); 9 bases into the intron before coding-DNA position 3058, one base duplicated (T; older notation c.3058-9dupT).
Molecular consequence: intron variant.
Genome position (GRCh38, 1-based): chr13:112,873,564, T duplicated; the last of 10 consecutive T bases (chr13:112,873,555-112,873,564); duplicating any one gives the same sequence. VCF-style (leftmost placement, unchanged base first): chr13-112873554-C-CT. GRCh37 (hg19) VCF-style: chr13-113527868-C-CT.
Other names: c.3058-9dup (NM_001405663.1, NM_001405661.1, NM_032189.4 and 1 more transcripts).
Identifiers: ClinVar variation 3355541 (VCV003355541.1).
Genomic context (GRCh38, chr13:112,873,554, plus strand): 5'-CGGCTCTCTGTCCTGCCCATCACGATCATTCTCACTGCTCAGATGACACCGTTAACTGCC[C>CT]TTTTTTTTTTCCTTTTAGCTTGCATTGGACACACACTACTGGACTTGGATCAACCATTTT-3'

ClinVar aggregate classification (germline): Likely benign (0 of 4 stars; one submission).

Conditions:
ATP11A-related disorder. Also called: ATP11A-related condition.

Submission:

PreventionGenetics, part of Exact Sciences
Classification: Likely benign for ATP11A-related condition. Last evaluated: 2024-09-20. Review status: no assertion criteria provided. Collection method: clinical testing. Allele origin: germline.
Comment: This variant is classified as likely benign based on ACMG/AMP sequence variant interpretation guidelines (Richards et al. 2015 PMID: 25741868, with internal and published modifications).